The following is an entry in ClinVar:

ClinVar aggregate classification (germline): Likely benign. Review status: criteria provided, multiple submitters, no conflicts (2 of 4 stars). 4 submissions from 4 submitters: Likely benign (4). Last evaluated 2026-08-01.

Conditions:
Cardiovascular phenotype. Identifiers: MedGen CN230736.
Dilated cardiomyopathy 1G (CMD1G). Identifiers: Orphanet 154, MedGen C1858763, MONDO:0011400, OMIM 604145.
Autosomal recessive limb-girdle muscular dystrophy type 2J (LGMDR10). Also called: MUSCULAR DYSTROPHY, LIMB-GIRDLE, AUTOSOMAL RECESSIVE 10; Limb-girdle muscular dystrophy, type 2J. Identifiers: Orphanet 140922, MedGen C1837342, MONDO:0012127, OMIM 608807.

Allele frequency attached by ClinVar (database versions not stated): gnomAD 0.00001; gnomAD exomes 0.00001 and 0.00002; TOPMed 0.00001; ExAC 0.00002.
gnomAD v4.1: 23 of 1,613,174 alleles (0.0014%); highest among the groups gnomAD compares: Non-Finnish European, 0.0018%; no homozygotes.

Submissions (4):

CeGaT Center for Human Genetics Tuebingen
Classification: Likely benign. Last evaluated: 2026-08-01. Review status: criteria provided, single submitter. Criteria: CeGaT Center For Human Genetics Tuebingen Variant Classification Criteria Version 2. Collection method: clinical testing. Allele origin: germline. Affected: yes. Observed: 1 variant allele.
Comment: TTN: BP4

Labcorp Genetics (formerly Invitae), Labcorp
Classification: Likely benign for Dilated cardiomyopathy 1G; Autosomal recessive limb-girdle muscular dystrophy type 2J. Last evaluated: 2025-11-04. Review status: criteria provided, single submitter. Criteria: Invitae Variant Classification Sherloc (09022015). Collection method: clinical testing. Allele origin: germline.

Ambry Genetics
Classification: Likely benign for Cardiovascular phenotype. Last evaluated: 2025-07-22. Review status: criteria provided, single submitter. Criteria: Ambry Variant Classification Scheme 2023. Collection method: clinical testing. Allele origin: germline.

Blueprint Genetics
Classification: Likely benign. Last evaluated: 2024-05-20. Review status: criteria provided, single submitter. Criteria: ACMG Guidelines, 2015. Collection method: clinical testing. Allele origin: germline.

NM_001267550.2(TTN):c.68415G>A (p.Val22805=)

Genes: TTN-AS1 (TTN antisense RNA 1; plus strand), TTN (titin; minus strand). Cytogenetic location: 2q31.2.
Variant type: single nucleotide variant.
Coding change: c.68415G>A on transcript NM_001267550.2 (MANE Select); coding-DNA position 68415, G replaced by A.
Protein change: p.Val22805=; no amino-acid change (valine 22805 retained).
Molecular consequence: synonymous variant.
Genome position (GRCh38, 1-based): chr2:178,578,100, C>T on the plus strand (G>A on the coding strand, the complement: TTN is on the minus strand). VCF-style: chr2-178578100-C-T. GRCh37 (hg19) VCF-style: chr2-179442827-C-T.
Other names: c.63492G>A, p.Val21164= (NM_001256850.1); c.41220G>A, p.Val13740= (NM_003319.4); c.60711G>A, p.Val20237= (NM_133378.4); c.41595G>A, p.Val13865= (NM_133432.3); c.41796G>A, p.Val13932= (NM_133437.4).
Identifiers: ClinVar variation 753226 (VCV000753226.11), dbSNP rs766702408, ClinGen allele CA1991110.